The following is an entry in ClinVar:

NM_032656.4(DHX37):c.2214G>C (p.Glu738Asp)

Gene: DHX37 (DEAH-box helicase 37; minus strand). Cytogenetic location: 12q24.31.
Variant type: single nucleotide variant.
Coding change: c.2214G>C on transcript NM_032656.4 (MANE Select); coding-DNA position 2214, G replaced by C.
Protein change: p.Glu738Asp; replaces glutamic acid 738 with aspartic acid.
Molecular consequence: missense variant.
Genome position (GRCh38, 1-based): chr12:124,957,079, C>G on the plus strand (G>C on the coding strand, the complement: DHX37 is on the minus strand). VCF-style: chr12-124957079-C-G. GRCh37 (hg19) VCF-style: chr12-125441625-C-G.
Other names: short protein forms E738D.
Identifiers: ClinVar variation 4809606 (VCV004809606.1).

ClinVar aggregate classification (germline): Uncertain significance (1 of 4 stars; one submission).

Submission:

Labcorp Genetics (formerly Invitae), Labcorp
Classification: Uncertain significance. Last evaluated: 2025-07-29. Review status: criteria provided, single submitter. Criteria: Invitae Variant Classification Sherloc (09022015). Collection method: clinical testing. Allele origin: germline.
Comment: This sequence change replaces glutamic acid, which is acidic and polar, with aspartic acid, which is acidic and polar, at codon 738 of the DHX37 protein (p.Glu738Asp). This variant is not present in population databases (gnomAD no frequency). This variant has not been reported in the literature in individuals affected with DHX37-related conditions. Invitae Evidence Modeling of protein sequence and biophysical properties (such as structural, functional, and spatial information, amino acid conservation, physicochemical variation, residue mobility, and thermodynamic stability) indicates that this missense variant is expected to disrupt DHX37 protein function with a positive predictive value of 80%. In summary, the available evidence is currently insufficient to determine the role of this variant in disease. Therefore, it has been classified as a Variant of Uncertain Significance.